The following is an entry in ClinVar:

NM_001127208.3(TET2):c.1810C>A (p.Gln604Lys)

Genes: TET2 (tet methylcytosine dioxygenase 2; plus strand), TET2-AS1 (TET2 antisense RNA 1; minus strand). Cytogenetic location: 4q24.
Variant type: single nucleotide variant.
Coding change: c.1810C>A on transcript NM_001127208.3 (MANE Select); coding-DNA position 1810, C replaced by A.
Protein change: p.Gln604Lys; replaces glutamine 604 with lysine.
Molecular consequence: missense variant.
Genome position (GRCh38, 1-based): chr4:105,235,752, C>A. VCF-style: chr4-105235752-C-A. GRCh37 (hg19) VCF-style: chr4-106156909-C-A.
Other names: c.1810C>A, p.Gln604Lys (NM_017628.4); short protein forms Q604K.
Identifiers: ClinVar variation 3967708 (VCV003967708.1).

ClinVar aggregate classification (germline): Uncertain significance (1 of 4 stars; one submission).

Submission:

Ambry Genetics
Classification: Uncertain significance. Last evaluated: 2025-06-12. Review status: criteria provided, single submitter. Criteria: Ambry Variant Classification Scheme 2023. Collection method: clinical testing. Allele origin: germline.
Comment: The p.Q604K variant (also known as c.1810C>A), located in coding exon 1 of the TET2 gene, results from a C to A substitution at nucleotide position 1810. The glutamine at codon 604 is replaced by lysine, an amino acid with similar properties. This amino acid position is conserved. In addition, this alteration is predicted to be tolerated by in silico analysis. Based on the available evidence, the clinical significance of this variant remains unclear.